The following is an entry in ClinVar:

NM_001278064.2(GRM1):c.716G>A (p.Ser239Asn)

Gene: GRM1 (glutamate metabotropic receptor 1; plus strand). Cytogenetic location: 6q24.3.
Variant type: single nucleotide variant.
Coding change: c.716G>A on transcript NM_001278064.2 (MANE Select); coding-DNA position 716, G replaced by A.
Protein change: p.Ser239Asn; replaces serine 239 with asparagine.
Molecular consequence: missense variant.
Genome position (GRCh38, 1-based): chr6:146,159,363, G>A. VCF-style: chr6-146159363-G-A. GRCh37 (hg19) VCF-style: chr6-146480499-G-A.
Other names: c.716G>A, p.Ser239Asn (NM_001278065.2, NM_001278066.1, NM_001278067.1); short protein forms S239N.
Identifiers: ClinVar variation 3728036 (VCV003728036.2).

ClinVar aggregate classification (germline): Uncertain significance (1 of 4 stars; one submission).

Submission:

Labcorp Genetics (formerly Invitae), Labcorp
Classification: Uncertain significance. Last evaluated: 2024-12-24. Review status: criteria provided, single submitter. Criteria: Invitae Variant Classification Sherloc (09022015). Collection method: clinical testing. Allele origin: germline.
Comment: This sequence change replaces serine, which is neutral and polar, with asparagine, which is neutral and polar, at codon 239 of the GRM1 protein (p.Ser239Asn). This variant is not present in population databases (gnomAD no frequency). This variant has not been reported in the literature in individuals affected with GRM1-related conditions. An algorithm developed to predict the effect of missense changes on protein structure and function (PolyPhen-2) suggests that this variant is likely to be disruptive. In summary, the available evidence is currently insufficient to determine the role of this variant in disease. Therefore, it has been classified as a Variant of Uncertain Significance.